The following is an entry in ClinVar:

ClinVar aggregate classification (germline): Uncertain significance (1 of 4 stars; one submission).

Conditions:
Familial adenomatous polyposis 1 (FAP1). Also called: POLYPOSIS, ADENOMATOUS INTESTINAL; FAMILIAL ADENOMATOUS POLYPOSIS 1, ATTENUATED. Identifiers: MedGen C2713442, MONDO:0021056, OMIM 175100. Disease mechanism: loss of function.

Submission:

Labcorp Genetics (formerly Invitae), Labcorp
Classification: Uncertain significance for Familial adenomatous polyposis 1. Last evaluated: 2021-06-25. Review status: criteria provided, single submitter. Criteria: Invitae Variant Classification Sherloc (09022015). Collection method: clinical testing. Allele origin: germline.
Comment: This sequence change replaces alanine with proline at codon 2730 of the APC protein (p.Ala2730Pro). The alanine residue is weakly conserved and there is a small physicochemical difference between alanine and proline. This variant is not present in population databases (ExAC no frequency). This variant has not been reported in the literature in individuals with APC-related conditions. Algorithms developed to predict the effect of missense changes on protein structure and function output the following: SIFT: "Tolerated"; PolyPhen-2: "Benign"; Align-GVGD: "Class C0". The proline amino acid residue is found in multiple mammalian species, suggesting that this missense change does not adversely affect protein function. These predictions have not been confirmed by published functional studies and their clinical significance is uncertain. In summary, the available evidence is currently insufficient to determine the role of this variant in disease. Therefore, it has been classified as a Variant of Uncertain Significance.

NM_000038.6(APC):c.8188G>C (p.Ala2730Pro)

Gene: APC (APC regulator of Wnt signaling pathway; plus strand). Cytogenetic location: 5q22.2.
Variant type: single nucleotide variant.
Coding change: c.8188G>C on transcript NM_000038.6 (MANE Select); coding-DNA position 8188, G replaced by C.
Protein change: p.Ala2730Pro; replaces alanine 2730 with proline.
Molecular consequence: missense variant.
Genome position (GRCh38, 1-based): chr5:112,843,782, G>C. VCF-style: chr5-112843782-G-C. GRCh37 (hg19) VCF-style: chr5-112179479-G-C.
Other names: c.8188G>C, p.Ala2730Pro (NM_001127510.3, NM_001354895.2); c.8134G>C, p.Ala2712Pro (NM_001127511.3); c.8242G>C, p.Ala2748Pro (NM_001354896.2); c.8218G>C, p.Ala2740Pro (NM_001354897.2); c.8113G>C, p.Ala2705Pro (NM_001354898.2); c.8104G>C, p.Ala2702Pro (NM_001354899.2); c.8065G>C, p.Ala2689Pro (NM_001354900.2); c.8011G>C, p.Ala2671Pro (NM_001354901.2); and 5 more; short protein forms A2570P, A2712P, A2748P, A2447P, A2639P, A2702P, A2730P, A2689P.
Identifiers: ClinVar variation 1363960 (VCV001363960.8), dbSNP rs1060503348, ClinGen allele CA16039106.